The following is an entry in ClinVar:

NM_003850.3(SUCLA2):c.789T>C (p.Asp263=)

Gene: SUCLA2 (succinate-CoA ligase ADP-forming subunit beta; minus strand). Cytogenetic location: 13q14.2.
Variant type: single nucleotide variant.
Coding change: c.789T>C on transcript NM_003850.3 (MANE Select); coding-DNA position 789, T replaced by C.
Protein change: p.Asp263=; no amino-acid change (aspartic acid 263 retained).
Molecular consequence: synonymous variant.
Genome position (GRCh38, 1-based): chr13:47,968,608, A>G on the plus strand (T>C on the coding strand, the complement: SUCLA2 is on the minus strand). VCF-style: chr13-47968608-A-G. GRCh37 (hg19) VCF-style: chr13-48542743-A-G.
Other names: p.D263D:GAT>GAC; p.Asp263=.
Identifiers: ClinVar variation 139361 (VCV000139361.42), dbSNP rs57270175, ClinGen allele CA293805.

ClinVar aggregate classification (germline): Benign/Likely benign. Review status: criteria provided, multiple submitters, no conflicts (2 of 4 stars). 7 submissions from 7 submitters: Benign (6); Likely benign (1). Last evaluated 2026-01-30.

Conditions:
Mitochondrial DNA depletion syndrome, encephalomyopathic form with methylmalonic aciduria (MTDPS5). Also called: Mitochondrial encephalomyopathy aminoacidopathy; SUCLA2-Related Mitochondrial DNA Depletion Syndrome, Encephalomyopathic Form with Methylmalonic Aciduria; Mitochondrial DNA depletion syndrome 5 (encephalomyopathic with or without methylmalonic aciduria); MITOCHONDRIAL DNA DEPLETION SYNDROME, ENCEPHALOMYOPATHIC FORM, WITH OR WITHOUT METHYLMALONIC ACIDURIA, AUTOSOMAL RECESSIVE, SUCLA2-RELATED. Identifiers: Orphanet 1933, MedGen C5980207, MONDO:0012791, OMIM 612073.

Allele frequency attached by ClinVar (database versions not stated): gnomAD exomes 0.00047 and 0.00111; ExAC 0.00138; 1000 Genomes Project 0.00399; 1000 Genomes Project 30x 0.00422; gnomAD 0.00441; ESP Exome Variant Server 0.00461; TOPMed 0.00464.
gnomAD v4.1: 1,365 of 1,611,704 alleles (0.085%); highest among the groups gnomAD compares: African/African-American, 1.5%; 10 homozygotes.

Submissions (7):

Labcorp Genetics (formerly Invitae), Labcorp
Classification: Benign for Mitochondrial DNA depletion syndrome, encephalomyopathic form with methylmalonic aciduria. Last evaluated: 2026-01-30. Review status: criteria provided, single submitter. Criteria: Invitae Variant Classification Sherloc (09022015). Collection method: clinical testing. Allele origin: germline.

Mayo Clinic Laboratories, Mayo Clinic
Classification: Benign. Last evaluated: 2025-09-19. Review status: criteria provided, single submitter. Criteria: ACMG Guidelines, 2015. Collection method: clinical testing. Allele origin: germline. Observed: 10 variant alleles.
Comment: BS1, BS2

Blueprint Genetics
Classification: Likely benign. Last evaluated: 2024-11-26. Review status: criteria provided, single submitter. Criteria: ACMG Guidelines, 2015. Collection method: clinical testing. Allele origin: germline.

CeGaT Center for Human Genetics Tuebingen
Classification: Benign. Last evaluated: 2023-09-01. Review status: criteria provided, single submitter. Criteria: CeGaT Center For Human Genetics Tuebingen Variant Classification Criteria Version 2. Collection method: clinical testing. Allele origin: germline. Affected: yes. Observed: 2 variant alleles.
Comment: SUCLA2: BP4, BS1, BS2

Illumina Laboratory Services, Illumina
Classification: Benign for Mitochondrial DNA depletion syndrome, encephalomyopathic form with methylmalonic aciduria. Last evaluated: 2018-01-12. Review status: criteria provided, single submitter. Criteria: ICSL Variant Classification Criteria 13 December 2019. Collection method: clinical testing. Allele origin: germline.
Comment: This variant was observed in the ICSL laboratory as part of a predisposition screen in an ostensibly healthy population. It had not been previously curated by ICSL or reported in the Human Gene Mutation Database (HGMD: prior to June 1st, 2018), and was therefore a candidate for classification through an automated scoring system. Utilizing variant allele frequency, disease prevalence and penetrance estimates, and inheritance mode, an automated score was calculated to assess if this variant is too frequent to cause the disease. Based on the score and internal cut-off values, a variant classified as benign is not then subjected to further curation. The score for this variant resulted in a classification of benign for this disease.

GeneDx
Classification: Benign. Last evaluated: 2014-04-02. Review status: criteria provided, single submitter. Criteria: GeneDx Variant Classification (06012015). Collection method: clinical testing. Allele origin: germline. Affected: yes.
Comment: This variant is considered likely benign or benign based on one or more of the following criteria: it is a conservative change, it occurs at a poorly conserved position in the protein, it is predicted to be benign by multiple in silico algorithms, and/or has population frequency not consistent with disease.

Breakthrough Genomics
Classification: Benign. Review status: criteria provided, single submitter. Criteria: ACMG Guidelines, 2015. Collection method: not provided. Allele origin: germline. Inheritance: Autosomal recessive inheritance. Affected: yes.